The following is an entry in ClinVar:

ClinVar aggregate classification (germline): Uncertain significance. Review status: criteria provided, multiple submitters, no conflicts (2 of 4 stars). 2 submissions from 2 submitters: Uncertain significance (2). Last evaluated 2026-03-29.

Conditions:
Cardiovascular phenotype. Identifiers: MedGen CN230736.

gnomAD v4.1: 10 of 1,614,060 alleles (0.00062%); highest among the groups gnomAD compares: East Asian, 0.018%; no homozygotes.

Submissions (2):

Ambry Genetics
Classification: Uncertain significance for Cardiovascular phenotype. Last evaluated: 2026-03-29. Review status: criteria provided, single submitter. Criteria: Ambry Variant Classification Scheme 2023. Collection method: clinical testing. Allele origin: germline.
Comment: The p.T213S variant (also known as c.638C>G), located in coding exon 5 of the RAF1 gene, results from a C to G substitution at nucleotide position 638. The threonine at codon 213 is replaced by serine, an amino acid with similar properties. This amino acid position is conserved. In addition, the in silico prediction for this alteration is inconclusive. Based on the available evidence, the clinical significance of this variant remains unclear.

GeneDx
Classification: Uncertain significance. Last evaluated: 2023-12-05. Review status: criteria provided, single submitter. Criteria: GeneDx Variant Classification Process June 2021. Collection method: clinical testing. Allele origin: germline. Affected: yes.
Comment: Not observed at significant frequency in large population cohorts (gnomAD); Missense variants in this gene are a common cause of disease and they are underrepresented in the general population; In silico analysis supports that this missense variant does not alter protein structure/function; Has not been previously published as pathogenic or benign to our knowledge

NM_002880.4(RAF1):c.638C>G (p.Thr213Ser)

Gene: RAF1 (Raf-1 proto-oncogene, serine/threonine kinase; minus strand). Cytogenetic location: 3p25.2.
Variant type: single nucleotide variant.
Coding change: c.638C>G on transcript NM_002880.4 (MANE Select); coding-DNA position 638, C replaced by G.
Protein change: p.Thr213Ser; replaces threonine 213 with serine.
Molecular consequence: missense variant. On other transcripts: intron variant (2), non-coding transcript variant (3).
Genome position (GRCh38, 1-based): chr3:12,606,243, G>C on the plus strand (C>G on the coding strand, the complement: RAF1 is on the minus strand). VCF-style: chr3-12606243-G-C. GRCh37 (hg19) VCF-style: chr3-12647742-G-C.
Other names: c.339-1954C>G (NM_001354695.3); c.582-1954C>G (NM_001354693.3); c.638C>G, p.Thr213Ser (NM_001354689.3, NM_001354690.3); c.395C>G, p.Thr132Ser (NM_001354691.3, NM_001354692.3, NM_001354694.3); short protein forms T132S, T213S.
Identifiers: ClinVar variation 3365012 (VCV003365012.2).